The following is an entry in ClinVar:

ClinVar aggregate classification (germline): Uncertain significance (1 of 4 stars; one submission).

Conditions:
Melnick-Needles syndrome (MNS). Also called: MELNICK-NEEDLES OSTEODYSPLASTY; OSTEODYSPLASTY OF MELNICK AND NEEDLES; Melnick-Needles Syndrome (FLNA-MNS). Identifiers: Orphanet 2484, MedGen C0025237, MONDO:0010650, OMIM 309350.
Frontometaphyseal dysplasia (FMD1). Identifiers: Orphanet 1826, MedGen C0265293, MONDO:0015942.
Heterotopia, periventricular, X-linked dominant (PVNH1). Also called: PERIVENTRICULAR NODULAR HETEROTOPIA 1; X-linked periventricular heterotopia; PERIVENTRICULAR NODULAR HETEROTOPIA 4; HETEROTOPIA, PERIVENTRICULAR, 1. Identifiers: Orphanet 2149, Orphanet 82004, MedGen C1848213, MONDO:0010233, OMIM 300049.
Oto-palato-digital syndrome, type II (OPD2). Also called: FACIOPALATOOSSEOUS SYNDROME; OPD II SYNDROME; Otopalatodigital Syndrome, Type II; Otopalatodigital Syndrome Type 2 (FLNA-OPD2). Identifiers: Orphanet 669, Orphanet 90652, MedGen C1844696, MONDO:0010571, OMIM 304120.

gnomAD v4.1: 1 of 1,211,187 alleles (0.000083%); highest among the groups gnomAD compares: Non-Finnish European, 0.00011%; no homozygotes.

Submission:

Labcorp Genetics (formerly Invitae), Labcorp
Classification: Uncertain significance for Oto-palato-digital syndrome, type II; Heterotopia, periventricular, X-linked dominant; Frontometaphyseal dysplasia; Melnick-Needles syndrome. Last evaluated: 2024-06-17. Review status: criteria provided, single submitter. Criteria: Invitae Variant Classification Sherloc (09022015). Collection method: clinical testing. Allele origin: germline.
Comment: This sequence change falls in intron 41 of the FLNA gene. It does not directly change the encoded amino acid sequence of the FLNA protein. It affects a nucleotide within the consensus splice site. This variant is not present in population databases (gnomAD no frequency). This variant has not been reported in the literature in individuals affected with FLNA-related conditions. Variants that disrupt the consensus splice site are a relatively common cause of aberrant splicing (PMID: 17576681, 9536098). Algorithms developed to predict the effect of sequence changes on RNA splicing suggest that this variant is not likely to affect RNA splicing. In summary, the available evidence is currently insufficient to determine the role of this variant in disease. Therefore, it has been classified as a Variant of Uncertain Significance.

Literature cited by the submitters: PubMed 17576681; PubMed 9536098.

NM_001110556.2(FLNA):c.6907+6G>A

Gene: FLNA (filamin A; minus strand). Cytogenetic location: Xq28.
Variant type: single nucleotide variant.
Coding change: c.6907+6G>A on transcript NM_001110556.2 (MANE Select); 6 bases into the intron after coding-DNA position 6907, G replaced by A.
Molecular consequence: intron variant.
Genome position (GRCh38, 1-based): chrX:154,351,878, C>T on the plus strand (G>A on the coding strand, the complement: FLNA is on the minus strand). VCF-style: chrX-154351878-C-T. GRCh37 (hg19) VCF-style: chrX-153580246-C-T.
Other names: c.6883+6G>A (NM_001456.4).
Identifiers: ClinVar variation 3749076 (VCV003749076.2).
Genomic context (GRCh38, chrX:154,351,878, plus strand): 5'-CCAGCCCTGGGTCCAATACCCACACTCAGGCCCCACCTCCTCCAACCCCAGCCGGGTTCC[C>T]AGTACCTGGCTCCTGGACCACATAAGCCACACCACAGGAGCCGTCCTTGCGGTCCTCAAA-3'